The following is an entry in ClinVar:

NM_000878.5(IL2RB):c.1318C>T (p.Pro440Ser)

Gene: IL2RB (interleukin 2 receptor subunit beta; minus strand). Cytogenetic location: 22q12.3.
Variant type: single nucleotide variant.
Coding change: c.1318C>T on transcript NM_000878.5 (MANE Select); coding-DNA position 1318, C replaced by T.
Protein change: p.Pro440Ser; replaces proline 440 with serine.
Molecular consequence: missense variant.
Genome position (GRCh38, 1-based): chr22:37,128,434, G>A on the plus strand (C>T on the coding strand, the complement: IL2RB is on the minus strand). VCF-style: chr22-37128434-G-A. GRCh37 (hg19) VCF-style: chr22-37524474-G-A.
Other names: p.Pro440Ser; c.1318C>T, p.Pro440Ser (NM_001346222.1, NM_001346223.2); short protein forms P440S.
Identifiers: ClinVar variation 1413989 (VCV001413989.7), dbSNP rs775132140, ClinGen allele CA10216362.
Genomic context (GRCh38, chr22:37,128,434, plus strand): 5'-GCAAAGAAGGGGGCATCCTCTCTTCACCGGCCCCACTGCCCCCAGGGGCAGTGCTTGGGG[G>A]GCTGGGGCCACCGAGGAGACTGGGGGAGAAGAGCAGCAGGTCATCCCTGGAGGGGAAGGT-3'
Protein context (NP_000869.1, residues 430-450): FSPSLLGGPS[Pro440Ser]PSTAPGGSGA

ClinVar aggregate classification (germline): Conflicting classifications of pathogenicity. Review status: criteria provided, conflicting classifications (1 of 4 stars). 4 submissions from 4 submitters: Uncertain significance (3); Likely benign (1). Last evaluated 2025-07-26.

Allele frequency attached by ClinVar (database versions not stated): gnomAD 0.00005 and 0.00006; TOPMed 0.00010.
gnomAD v4.1: 136 of 1,539,808 alleles (0.0088%); highest among the groups gnomAD compares: Middle Eastern, 0.39%; 1 homozygote.

Submissions (4):

Mayo Clinic Laboratories, Mayo Clinic
Classification: Uncertain significance. Last evaluated: 2025-07-26. Review status: criteria provided, single submitter. Criteria: ACMG Guidelines, 2015. Collection method: clinical testing. Allele origin: germline. Observed: 1 variant allele.
Comment: BP4_moderate

Blueprint Genetics
Classification: Likely benign. Last evaluated: 2024-08-13. Review status: criteria provided, single submitter. Criteria: ACMG Guidelines, 2015. Collection method: clinical testing. Allele origin: germline.

Labcorp Genetics (formerly Invitae), Labcorp
Classification: Uncertain significance. Last evaluated: 2024-01-02. Review status: criteria provided, single submitter. Criteria: Invitae Variant Classification Sherloc (09022015). Collection method: clinical testing. Allele origin: germline.
Comment: This sequence change replaces proline, which is neutral and non-polar, with serine, which is neutral and polar, at codon 440 of the IL2RB protein (p.Pro440Ser). This variant is present in population databases (rs775132140, gnomAD 0.01%). This variant has not been reported in the literature in individuals affected with IL2RB-related conditions. ClinVar contains an entry for this variant (Variation ID: 1413989). Algorithms developed to predict the effect of missense changes on protein structure and function output the following: SIFT: "Not Available"; PolyPhen-2: "Benign"; Align-GVGD: "Not Available". The serine amino acid residue is found in multiple mammalian species, which suggests that this missense change does not adversely affect protein function. In summary, the available evidence is currently insufficient to determine the role of this variant in disease. Therefore, it has been classified as a Variant of Uncertain Significance.

Breakthrough Genomics
Classification: Uncertain significance. Review status: criteria provided, single submitter. Criteria: ACMG Guidelines, 2015. Collection method: not provided. Allele origin: germline. Inheritance: Autosomal dominant inheritance. Affected: yes.

Literature cited by the submitters: PubMed 29577077 (cited by Mayo Clinic Laboratories, Mayo Clinic).